The following is an entry in ClinVar:

ClinVar aggregate classification (germline): Uncertain significance. Review status: criteria provided, multiple submitters, no conflicts (2 of 4 stars). 5 submissions from 5 submitters: Uncertain significance (5). Last evaluated 2024-04-16.

Conditions:
Inborn genetic diseases. Identifiers: MedGen C0950123, MeSH D030342.
Fraser syndrome 1 (FRASRS1). Also called: CRYPTOPHTHALMOS WITH OTHER MALFORMATIONS. Identifiers: Orphanet 2052, MedGen C4551480, MONDO:0054737, OMIM 219000.

Allele frequency attached by ClinVar (database versions not stated): gnomAD 0.00007; ESP Exome Variant Server 0.00008; gnomAD exomes 0.00008 and 0.00013; ExAC 0.00009; TOPMed 0.00009.
gnomAD v4.1: 191 of 1,613,184 alleles (0.012%); highest among the groups gnomAD compares: Non-Finnish European, 0.016%; no homozygotes.

Submissions (5):

Fulgent Genetics
Classification: Uncertain significance for Fraser syndrome 1. Last evaluated: 2024-04-16. Review status: criteria provided, single submitter. Criteria: ACMG Guidelines, 2015. Collection method: clinical testing. Allele origin: germline.

Labcorp Genetics (formerly Invitae), Labcorp
Classification: Uncertain significance. Last evaluated: 2022-08-16. Review status: criteria provided, single submitter. Criteria: Invitae Variant Classification Sherloc (09022015). Collection method: clinical testing. Allele origin: germline.
Comment: This sequence change replaces aspartic acid, which is acidic and polar, with valine, which is neutral and non-polar, at codon 949 of the FRAS1 protein (p.Asp949Val). This variant is present in population databases (rs202221840, gnomAD 0.02%). This variant has not been reported in the literature in individuals affected with FRAS1-related conditions. ClinVar contains an entry for this variant (Variation ID: 907238). Algorithms developed to predict the effect of missense changes on protein structure and function are either unavailable or do not agree on the potential impact of this missense change (SIFT: "Deleterious"; PolyPhen-2: "Possibly Damaging"; Align-GVGD: "Class C0"). In summary, the available evidence is currently insufficient to determine the role of this variant in disease. Therefore, it has been classified as a Variant of Uncertain Significance.

Department of Pathology and Laboratory Medicine, Sinai Health System
Classification: Uncertain significance for Fraser syndrome 1. Last evaluated: 2021-07-30. Review status: criteria provided, single submitter. Criteria: ACMG Guidelines, 2015. Collection method: research. Allele origin: germline.

Ambry Genetics
Classification: Uncertain significance for Inborn genetic diseases. Last evaluated: 2021-07-08. Review status: criteria provided, single submitter. Criteria: Ambry Variant Classification Scheme 2023. Collection method: clinical testing. Allele origin: germline.

Illumina Laboratory Services, Illumina
Classification: Uncertain significance for Fraser syndrome 1. Last evaluated: 2018-01-13. Review status: criteria provided, single submitter. Criteria: ICSL Variant Classification Criteria 13 December 2019. Collection method: clinical testing. Allele origin: germline.

NM_025074.7(FRAS1):c.2846A>T (p.Asp949Val)

Gene: FRAS1 (Fraser extracellular matrix complex subunit 1; plus strand). Cytogenetic location: 4q21.21.
Variant type: single nucleotide variant.
Coding change: c.2846A>T on transcript NM_025074.7 (MANE Select); coding-DNA position 2846, A replaced by T.
Protein change: p.Asp949Val; replaces aspartic acid 949 with valine.
Molecular consequence: missense variant.
Genome position (GRCh38, 1-based): chr4:78,369,961, A>T. VCF-style: chr4-78369961-A-T. GRCh37 (hg19) VCF-style: chr4-79291115-A-T.
Other names: c.2846A>T, p.Asp949Val (NM_001166133.2); short protein forms D949V.
Identifiers: ClinVar variation 907238 (VCV000907238.10), dbSNP rs202221840, ClinGen allele CA2976750.